The following is an entry in ClinVar:

NM_000245.4(MET):c.3414T>C (p.Asn1138=)

Gene: MET (MET proto-oncogene, receptor tyrosine kinase; plus strand). Cytogenetic location: 7q31.2.
Variant type: single nucleotide variant.
Coding change: c.3414T>C on transcript NM_000245.4 (MANE Select); coding-DNA position 3414, T replaced by C.
Protein change: p.Asn1138=; no amino-acid change (asparagine 1138 retained).
Molecular consequence: synonymous variant.
Genome position (GRCh38, 1-based): chr7:116,778,849, T>C. VCF-style: chr7-116778849-T-C. GRCh37 (hg19) VCF-style: chr7-116418903-T-C.
Other names: c.3468T>C (NM_001127500.1); c.3468T>C, p.Asn1156= (NM_001127500.3); c.2124T>C, p.Asn708= (NM_001324402.2).
Identifiers: ClinVar variation 1535605 (VCV001535605.10), dbSNP rs769474791, ClinGen allele CA4448718.

ClinVar aggregate classification (germline): Benign/Likely benign. Review status: criteria provided, multiple submitters, no conflicts (2 of 4 stars). 3 submissions from 3 submitters: Benign (1); Likely benign (2). Last evaluated 2025-01-20.

Conditions:
Papillary renal cell carcinoma type 1 (RCCP1). Also called: RENAL CELL CARCINOMA, PAPILLARY, 1, SOMATIC; Renal adenocarcinoma; Renal cell carcinoma 1; Renal cell carcinoma, somatic. Identifiers: Orphanet 47044, MedGen C1336839, OMIM 605074, HP:0011797.
Renal cell carcinoma. Identifiers: Orphanet 217071, MedGen C0007134, MeSH D002292, MONDO:0005086, HP:0005584.
Hereditary cancer-predisposing syndrome. Also called: Hereditary Cancer Syndrome; Neoplastic Syndromes, Hereditary; Tumor predisposition; Hereditary neoplastic syndrome. Identifiers: Orphanet 140162, MedGen C0027672, MeSH D009386, MONDO:0015356.

Allele frequency attached by ClinVar (database versions not stated): gnomAD exomes below 0.00001; ExAC 0.00001.
gnomAD v4.1: 5 of 1,614,098 alleles (0.00031%); highest among the groups gnomAD compares: South Asian, 0.0022%; no homozygotes.

Submissions (3):

Labcorp Genetics (formerly Invitae), Labcorp
Classification: Likely benign for Renal cell carcinoma. Last evaluated: 2025-01-20. Review status: criteria provided, single submitter. Criteria: Invitae Variant Classification Sherloc (09022015). Collection method: clinical testing. Allele origin: germline.

Myriad Genetics, Inc.
Classification: Benign for Papillary renal cell carcinoma type 1. Last evaluated: 2024-11-13. Review status: criteria provided, single submitter. Criteria: Myriad Autosomal Dominant, Autosomal Recessive and X-Linked Classification Criteria (2023). Collection method: clinical testing. Allele origin: unknown.
Comment: This variant is considered benign. This variant is a silent/synonymous amino acid change and it is not expected to impact splicing.

Ambry Genetics
Classification: Likely benign for Hereditary cancer-predisposing syndrome. Last evaluated: 2024-10-29. Review status: criteria provided, single submitter. Criteria: Ambry Variant Classification Scheme 2023. Collection method: clinical testing. Allele origin: germline.